The following is an entry in ClinVar:

NM_018897.3(DNAH7):c.190A>T (p.Ser64Cys)

Gene: DNAH7 (dynein axonemal heavy chain 7; minus strand). Cytogenetic location: 2q32.3.
Variant type: single nucleotide variant.
Coding change: c.190A>T on transcript NM_018897.3 (MANE Select); coding-DNA position 190, A replaced by T.
Protein change: p.Ser64Cys; replaces serine 64 with cysteine.
Molecular consequence: missense variant.
Genome position (GRCh38, 1-based): chr2:196,048,356, T>A on the plus strand (A>T on the coding strand, the complement: DNAH7 is on the minus strand). VCF-style: chr2-196048356-T-A. GRCh37 (hg19) VCF-style: chr2-196913080-T-A.
Other names: short protein forms S64C.
Identifiers: ClinVar variation 785985 (VCV000785985.7), dbSNP rs114788238, ClinGen allele CA2037074.

ClinVar aggregate classification (germline): Benign. Review status: criteria provided, multiple submitters, no conflicts (2 of 4 stars). 3 submissions from 3 submitters: Benign (2). 1 of the submissions does not count toward it. Last evaluated 2019-12-31.

Conditions:
DNAH7-related disorder. Also called: DNAH7-related condition.

Allele frequency attached by ClinVar (database versions not stated): gnomAD exomes 0.00057 and 0.00166; ExAC 0.00211; 1000 Genomes Project 0.00839; ESP Exome Variant Server 0.00649; gnomAD 0.00662 and 0.00707; 1000 Genomes Project 30x 0.00906; TOPMed 0.00707.
gnomAD v4.1: 1,879 of 1,614,026 alleles (0.12%); highest among the groups gnomAD compares: African/African-American, 2.3%; 15 homozygotes.

Submissions (3):

Labcorp Genetics (formerly Invitae), Labcorp
Classification: Benign. Last evaluated: 2019-12-31. Review status: criteria provided, single submitter. Criteria: Invitae Variant Classification Sherloc (09022015). Collection method: clinical testing. Allele origin: germline.

Breakthrough Genomics
Classification: Benign. Review status: criteria provided, single submitter. Criteria: ACMG Guidelines, 2015. Collection method: not provided. Allele origin: germline. Inheritance: Unknown mechanism. Affected: yes.

PreventionGenetics, part of Exact Sciences
Classification: Benign for DNAH7-related condition. Last evaluated: 2019-06-18. Review status: no assertion criteria provided. Collection method: clinical testing. Allele origin: germline. Not counted in ClinVar's aggregate classification.
Comment: This variant is classified as benign based on ACMG/AMP sequence variant interpretation guidelines (Richards et al. 2015 PMID: 25741868, with internal and published modifications).